The following is an entry in ClinVar:

NM_001112.4(ADARB1):c.139G>C (p.Gly47Arg)

Gene: ADARB1 (adenosine deaminase RNA specific B1; plus strand). Cytogenetic location: 21q22.3.
Variant type: single nucleotide variant.
Coding change: c.139G>C on transcript NM_001112.4 (MANE Select); coding-DNA position 139, G replaced by C.
Protein change: p.Gly47Arg; replaces glycine 47 with arginine.
Molecular consequence: missense variant. On other transcripts: non-coding transcript variant (4).
Genome position (GRCh38, 1-based): chr21:45,175,840, G>C. VCF-style: chr21-45175840-G-C. GRCh37 (hg19) VCF-style: chr21-46595755-G-C.
Other names: c.139G>C, p.Gly47Arg (NM_001160230.2, NM_001346688.2, NM_015833.4 and 1 more transcripts); c.286G>C, p.Gly96Arg (NM_001346687.2, NM_001410722.1); short protein forms G47R, G96R.
Identifiers: ClinVar variation 1803325 (VCV001803325.1), dbSNP rs2517941279, ClinGen allele CA410487515.
Genomic context (GRCh38, chr21:45,175,840, plus strand): 5'-CCCAAGGATGGCAGCACACCTGGGCCTGGCGAGGGCTCTCAGCTCTCCAATGGGGGTGGT[G>C]GTGGCCCCGGCAGAAAGCGGCCCCTGGAGGAGGGCAGCAATGGCCACTCCAAGTACCGCC-3'
Protein context (NP_001103.1, residues 37-57): EGSQLSNGGG[Gly47Arg]GPGRKRPLEE

ClinVar aggregate classification (germline): Uncertain significance (1 of 4 stars; one submission).

Submission:

GeneDx
Classification: Uncertain significance. Last evaluated: 2022-06-08. Review status: criteria provided, single submitter. Criteria: GeneDx Variant Classification Process June 2021. Collection method: clinical testing. Allele origin: germline. Affected: yes.
Comment: Not observed at significant frequency in large population cohorts (gnomAD); In silico analysis supports that this missense variant does not alter protein structure/function; Has not been previously published as pathogenic or benign to our knowledge